The following is an entry in ClinVar:

ClinVar aggregate classification (germline): Conflicting classifications of pathogenicity. Review status: criteria provided, conflicting classifications (1 of 4 stars). 5 submissions from 4 submitters: Uncertain significance (1); Likely benign (4). Last evaluated 2026-02-04.

Conditions:
Glucocorticoid-remediable aldosteronism. Also called: Hyperaldosteronism, familial, type I; FH I; GLUCOCORTICOID-SUPPRESSIBLE HYPERALDOSTERONISM; ACTH-DEPENDENT HYPERALDOSTERONISM SYNDROME; ALDOSTERONISM, SENSITIVE TO DEXAMETHASONE. Identifiers: Orphanet 403, MedGen C3838731, MONDO:0007080, OMIM 103900.
Deficiency of steroid 11-beta-monooxygenase (CYP11B1). Also called: Congenital adrenal hyperplasia due to 11-beta-hydroxylase deficiency; ADRENAL HYPERPLASIA, CONGENITAL, DUE TO STEROID 11-BETA-HYDROXYLASE DEFICIENCY; 11-BETA-HYDROXYLASE DEFICIENCY; P450C11B1 DEFICIENCY; STEROID 11-BETA-HYDROXYLASE DEFICIENCY; ADRENAL HYPERPLASIA IV. Identifiers: Orphanet 90795, MedGen C0268292, MONDO:0008729, OMIM 202010. Disease mechanism: loss of function.

Allele frequency attached by ClinVar (database versions not stated): gnomAD exomes 0.00008; 1000 Genomes Project 0.00020; ExAC 0.00028; gnomAD 0.00055.
gnomAD v4.1: 193 of 1,608,446 alleles (0.012%); highest among the groups gnomAD compares: African/African-American, 0.088%; no homozygotes.

Submissions (5):

Labcorp Genetics (formerly Invitae), Labcorp
Classification: Likely benign. Last evaluated: 2026-02-04. Review status: criteria provided, single submitter. Criteria: Invitae Variant Classification Sherloc (09022015). Collection method: clinical testing. Allele origin: germline.

Women's Health and Genetics/Laboratory Corporation of America, LabCorp
Classification: Likely benign. Last evaluated: 2024-12-06. Review status: criteria provided, single submitter. Criteria: LabCorp Variant Classification Summary - May 2015. Collection method: clinical testing. Allele origin: germline.

Blueprint Genetics
Classification: Likely benign. Last evaluated: 2024-10-23. Review status: criteria provided, single submitter. Criteria: ACMG Guidelines, 2015. Collection method: clinical testing. Allele origin: germline.

Illumina Laboratory Services, Illumina
Classification: Uncertain significance for Deficiency of steroid 11-beta-monooxygenase. Last evaluated: 2018-01-13. Review status: criteria provided, single submitter. Criteria: ICSL Variant Classification Criteria 13 December 2019. Collection method: clinical testing. Allele origin: germline.

Illumina Laboratory Services, Illumina
Classification: Likely benign for Glucocorticoid-remediable aldosteronism. Last evaluated: 2018-01-13. Review status: criteria provided, single submitter. Criteria: ICSL Variant Classification Criteria 13 December 2019. Collection method: clinical testing. Allele origin: germline.
Comment: This variant was observed in the ICSL laboratory as part of a predisposition screen in an ostensibly healthy population. It had not been previously curated by ICSL or reported in the Human Gene Mutation Database (HGMD: prior to June 1st, 2018), and was therefore a candidate for classification through an automated scoring system. Utilizing variant allele frequency, disease prevalence and penetrance estimates, and inheritance mode, an automated score was calculated to assess if this variant is too frequent to cause the disease. Based on the score and internal cut-off values, a variant classified as likely benign is not then subjected to further curation. The score for this variant resulted in a classification of likely benign for this disease.

NM_000497.4(CYP11B1):c.606G>A (p.Leu202=)

Genes: CYP11B1 (cytochrome P450 family 11 subfamily B member 1; minus strand), LOC106799833 (CYP11B1 recombination region; plus strand). Cytogenetic location: 8q24.3.
Variant type: single nucleotide variant.
Coding change: c.606G>A on transcript NM_000497.4 (MANE Select); coding-DNA position 606, G replaced by A.
Protein change: p.Leu202=; no amino-acid change (leucine 202 retained).
Molecular consequence: synonymous variant.
Genome position (GRCh38, 1-based): chr8:142,876,875, C>T on the plus strand (G>A on the coding strand, the complement: CYP11B1 is on the minus strand). VCF-style: chr8-142876875-C-T. GRCh37 (hg19) VCF-style: chr8-143958291-C-T.
Other names: c.606G>A, p.Leu202= (NM_001026213.1).
Identifiers: ClinVar variation 362163 (VCV000362163.16), dbSNP rs61751154, ClinGen allele CA4905360.